The following is an entry in ClinVar:

NM_000255.4(MMUT):c.15G>A (p.Lys5=)

Gene: MMUT (methylmalonyl-CoA mutase; minus strand). Cytogenetic location: 6p12.3.
Variant type: single nucleotide variant.
Coding change: c.15G>A on transcript NM_000255.4 (MANE Select); coding-DNA position 15, G replaced by A.
Protein change: p.Lys5=; no amino-acid change (lysine 5 retained).
Molecular consequence: synonymous variant.
Genome position (GRCh38, 1-based): chr6:49,459,452, C>T on the plus strand (G>A on the coding strand, the complement: MMUT is on the minus strand). VCF-style: chr6-49459452-C-T. GRCh37 (hg19) VCF-style: chr6-49427165-C-T.
Other names: KC594079; KC594085.1; KC594096.1.
Identifiers: ClinVar variation 100705 (VCV000100705.1), dbSNP rs483352779, ClinGen allele CA235518.

ClinVar aggregate classification (germline): not provided (0 of 4 stars; one submission).

Submission:

Medical Genetics Unit, Ain Shams University Pediatrics Hospital
No classification provided. Review status: no classification provided. Collection method: not provided. Allele origin: not provided.
Comment: Methylmalonic aciduria